The following is an entry in ClinVar:

ClinVar aggregate classification (germline): Likely benign (1 of 4 stars; one submission).

gnomAD v4.1: 7 of 1,610,588 alleles (0.00043%); highest among the groups gnomAD compares: Non-Finnish European, 0.00059%; no homozygotes.

Submission:

GeneDx
Classification: Likely benign. Last evaluated: 2016-01-06. Review status: criteria provided, single submitter. Criteria: GeneDx Variant Classification (06012015). Collection method: clinical testing. Allele origin: germline. Affected: yes.
Comment: This variant is considered likely benign or benign based on one or more of the following criteria: it is a conservative change, it occurs at a poorly conserved position in the protein, it is predicted to be benign by multiple in silico algorithms, and/or has population frequency not consistent with disease.

NM_005902.4(SMAD3):c.658+18C>A

Gene: SMAD3 (SMAD family member 3; plus strand). Cytogenetic location: 15q22.33.
Variant type: single nucleotide variant.
Coding change: c.658+18C>A on transcript NM_005902.4 (MANE Select); 18 bases into the intron after coding-DNA position 658, C replaced by A.
Molecular consequence: intron variant.
Genome position (GRCh38, 1-based): chr15:67,170,622, C>A. VCF-style: chr15-67170622-C-A. GRCh37 (hg19) VCF-style: chr15-67462960-C-A.
Other names: c.343+18C>A (NM_001145102.2); c.526+18C>A (NM_001145103.2); c.73+18C>A (NM_001145104.2).
Identifiers: ClinVar variation 382811 (VCV000382811.1), dbSNP rs1057521458, ClinGen allele CA16607004.